The following is an entry in ClinVar:

ClinVar aggregate classification (germline): Uncertain significance (1 of 4 stars; one submission).

Conditions:
Predisposition to invasive fungal disease due to CARD9 deficiency (IMD103). Also called: Candidiasis, familial, 2, autosomal recessive; CARD9 IMMUNODEFICIENCY; IMMUNODEFICIENCY 103, SUSCEPTIBILITY TO FUNGAL INFECTIONS. Identifiers: Orphanet 457088, MedGen C1859353, MONDO:0008905, OMIM 212050.

Allele frequency attached by ClinVar (database versions not stated): gnomAD 0.00001 and 0.00002; TOPMed 0.00001; gnomAD exomes 0.00004; ExAC 0.00005; ESP Exome Variant Server 0.00008.
gnomAD v4.1: 35 of 1,612,596 alleles (0.0022%); highest among the groups gnomAD compares: South Asian, 0.0022%; no homozygotes.

Submission:

Labcorp Genetics (formerly Invitae), Labcorp
Classification: Uncertain significance for Predisposition to invasive fungal disease due to CARD9 deficiency. Last evaluated: 2022-10-25. Review status: criteria provided, single submitter. Criteria: Invitae Variant Classification Sherloc (09022015). Collection method: clinical testing. Allele origin: germline.
Comment: This sequence change replaces glutamic acid, which is acidic and polar, with lysine, which is basic and polar, at codon 9 of the CARD9 protein (p.Glu9Lys). This variant is present in population databases (rs369865691, gnomAD 0.004%). This missense change has been observed in individual(s) with sporotrichosis (PMID: 30537277). ClinVar contains an entry for this variant (Variation ID: 665944). Advanced modeling of protein sequence and biophysical properties (such as structural, functional, and spatial information, amino acid conservation, physicochemical variation, residue mobility, and thermodynamic stability) performed at Invitae indicates that this missense variant is not expected to disrupt CARD9 protein function. In summary, the available evidence is currently insufficient to determine the role of this variant in disease. Therefore, it has been classified as a Variant of Uncertain Significance.

Literature cited by the submitters: PubMed 30537277.

NM_052813.5(CARD9):c.25G>A (p.Glu9Lys)

Gene: CARD9 (caspase recruitment domain family member 9; minus strand). Cytogenetic location: 9q34.3.
Variant type: single nucleotide variant.
Coding change: c.25G>A on transcript NM_052813.5 (MANE Select); coding-DNA position 25, G replaced by A.
Protein change: p.Glu9Lys; replaces glutamic acid 9 with lysine.
Molecular consequence: missense variant.
Genome position (GRCh38, 1-based): chr9:136,372,054, C>T on the plus strand (G>A on the coding strand, the complement: CARD9 is on the minus strand). VCF-style: chr9-136372054-C-T. GRCh37 (hg19) VCF-style: chr9-139266506-C-T.
Other names: c.25G>A, p.Glu9Lys (NM_052814.4); short protein forms E9K.
Identifiers: ClinVar variation 665944 (VCV000665944.8), dbSNP rs369865691, ClinGen allele CA5333268.
Genomic context (GRCh38, chr9:136,372,054, plus strand): 5'-GTGAGGGGTCGATGACCGAGGTGAGCGTCACCCGGAAGCCCTCCAGGACGCTCCAGCACT[C>T]GTCATCGTTCTCGTAGTCCGACATGGCCTCAGCAGGCAGGCTGGGGAGTGTGGGGCAGTG-3'
Protein context (NP_434700.2, residues 1-19): MSDYENDD[Glu9Lys]CWSVLEGFRV